The following is an entry in ClinVar:

NM_005445.4(SMC3):c.1538A>G (p.Asn513Ser)

Gene: SMC3 (structural maintenance of chromosomes 3; plus strand). Cytogenetic location: 10q25.2.
Variant type: single nucleotide variant.
Coding change: c.1538A>G on transcript NM_005445.4 (MANE Select); coding-DNA position 1538, A replaced by G.
Protein change: p.Asn513Ser; replaces asparagine 513 with serine.
Molecular consequence: missense variant.
Genome position (GRCh38, 1-based): chr10:110,590,440, A>G. VCF-style: chr10-110590440-A-G. GRCh37 (hg19) VCF-style: chr10-112350198-A-G.
Other names: short protein forms N513S.
Identifiers: ClinVar variation 2880162 (VCV002880162.4), dbSNP rs190230933, ClinGen allele CA213239349.

ClinVar aggregate classification (germline): Uncertain significance. Review status: criteria provided, multiple submitters, no conflicts (2 of 4 stars). 2 submissions from 2 submitters: Uncertain significance (2). Last evaluated 2024-07-06.

Conditions:
Inborn genetic diseases. Identifiers: MedGen C0950123, MeSH D030342.
Cornelia de Lange syndrome 3 (CDLS3). Also called: SMC3-Related Cornelia de Lange Syndrome; CORNELIA DE LANGE SYNDROME 3 WITH OR WITHOUT MIDLINE BRAIN DEFECTS. Identifiers: Orphanet 199, MedGen C1853099, MONDO:0012555, OMIM 610759.

Allele frequency attached by ClinVar (database versions not stated): gnomAD 0.00001; TOPMed 0.00001; 1000 Genomes Project 0.00020; 1000 Genomes Project 30x 0.00031.
gnomAD v4.1: 1 of 1,614,068 alleles (0.000062%); highest among the groups gnomAD compares: Admixed American, 0.0017%; no homozygotes.

Submissions (2):

Ambry Genetics
Classification: Uncertain significance for Inborn genetic diseases. Last evaluated: 2024-07-06. Review status: criteria provided, single submitter. Criteria: Ambry Variant Classification Scheme 2023. Collection method: clinical testing. Allele origin: germline.

Labcorp Genetics (formerly Invitae), Labcorp
Classification: Uncertain significance for Cornelia de Lange syndrome 3. Last evaluated: 2024-04-22. Review status: criteria provided, single submitter. Criteria: Invitae Variant Classification Sherloc (09022015). Collection method: clinical testing. Allele origin: germline.
Comment: This sequence change replaces asparagine, which is neutral and polar, with serine, which is neutral and polar, at codon 513 of the SMC3 protein (p.Asn513Ser). This variant is not present in population databases (gnomAD no frequency). This variant has not been reported in the literature in individuals affected with SMC3-related conditions. Advanced modeling of protein sequence and biophysical properties (such as structural, functional, and spatial information, amino acid conservation, physicochemical variation, residue mobility, and thermodynamic stability) performed at Invitae indicates that this missense variant is not expected to disrupt SMC3 protein function with a negative predictive value of 80%. In summary, the available evidence is currently insufficient to determine the role of this variant in disease. Therefore, it has been classified as a Variant of Uncertain Significance.